The following is an entry in ClinVar:

ClinVar aggregate classification (germline): Uncertain significance. Review status: criteria provided, multiple submitters, no conflicts (2 of 4 stars). 2 submissions from 2 submitters: Uncertain significance (2). Last evaluated 2026-06-20.

Conditions:
PRPF6-related disorder. Also called: PRPF6-related condition.

Allele frequency attached by ClinVar (database versions not stated): gnomAD 0.00001; TOPMed 0.00001.
gnomAD v4.1: 21 of 1,614,066 alleles (0.0013%); highest among the groups gnomAD compares: South Asian, 0.0044%; no homozygotes.

Submissions (2):

PreventionGenetics, part of Exact Sciences
Classification: Uncertain significance for PRPF6-related condition. Last evaluated: 2026-06-20. Review status: criteria provided, single submitter. Criteria: ACMG Guidelines, 2015. Collection method: clinical testing. Allele origin: germline.
Comment: The PRPF6 c.524G>A variant is predicted to result in the amino acid substitution p.Arg175His. To our knowledge, this variant has not been reported in the literature in individuals with retinal disease. This variant is present in 0.0029% of alleles in individuals of Latino descent in gnomAD. At this time, the clinical significance of this variant is uncertain due to the absence of conclusive functional and genetic evidence.

Labcorp Genetics (formerly Invitae), Labcorp
Classification: Uncertain significance. Last evaluated: 2025-10-06. Review status: criteria provided, single submitter. Criteria: Invitae Variant Classification Sherloc (09022015). Collection method: clinical testing. Allele origin: germline.
Comment: This sequence change replaces arginine, which is basic and polar, with histidine, which is basic and polar, at codon 175 of the PRPF6 protein (p.Arg175His). This variant is present in population databases (no rsID available, gnomAD 0.003%). This variant has not been reported in the literature in individuals affected with PRPF6-related conditions. ClinVar contains an entry for this variant (Variation ID: 1901510). Invitae Evidence Modeling of protein sequence and biophysical properties (such as structural, functional, and spatial information, amino acid conservation, physicochemical variation, residue mobility, and thermodynamic stability) indicates that this missense variant is expected to disrupt PRPF6 protein function with a positive predictive value of 80%. In summary, the available evidence is currently insufficient to determine the role of this variant in disease. Therefore, it has been classified as a Variant of Uncertain Significance.

NM_012469.4(PRPF6):c.524G>A (p.Arg175His)

Gene: PRPF6 (pre-mRNA processing factor 6; plus strand). Cytogenetic location: 20q13.33.
Variant type: single nucleotide variant.
Coding change: c.524G>A on transcript NM_012469.4 (MANE Select); coding-DNA position 524, G replaced by A.
Protein change: p.Arg175His; replaces arginine 175 with histidine.
Molecular consequence: missense variant.
Genome position (GRCh38, 1-based): chr20:63,995,001, G>A. VCF-style: chr20-63995001-G-A. GRCh37 (hg19) VCF-style: chr20-62626354-G-A.
Other names: c.524G>A (NM_012469.3); short protein forms R175H.
Identifiers: ClinVar variation 1901510 (VCV001901510.6), dbSNP rs1243113313, ClinGen allele CA409715609.